The following is an entry in ClinVar:

ClinVar aggregate classification (germline): Uncertain significance (1 of 4 stars; one submission).

Conditions:
Hereditary pheochromocytoma and paraganglioma. Also called: Hereditary pheochromocytoma-paraganglioma; Hereditary paragangliomas and pheochromocytomas; Hereditary Paraganglioma-Pheochromocytoma Syndromes. Identifiers: Orphanet 29072, MedGen C4274332, MONDO:0017366.

Submission:

Labcorp Genetics (formerly Invitae), Labcorp
Classification: Uncertain significance for Hereditary pheochromocytoma and paraganglioma. Last evaluated: 2019-04-04. Review status: criteria provided, single submitter. Criteria: Invitae Variant Classification Sherloc (09022015). Collection method: clinical testing. Allele origin: germline.
Comment: Algorithms developed to predict the effect of missense changes on protein structure and function are either unavailable or do not agree on the potential impact of this missense change (SIFT: "Tolerated"; PolyPhen-2: "Probably Damaging"; Align-GVGD: "Class C0"). In summary, the available evidence is currently insufficient to determine the role of this variant in disease. Therefore, it has been classified as a Variant of Uncertain Significance. This variant has not been reported in the literature in individuals with MAX-related conditions. This sequence change replaces glutamine with histidine at codon 82 of the MAX protein (p.Gln82His). The glutamine residue is highly conserved and there is a small physicochemical difference between glutamine and histidine. This variant is not present in population databases (ExAC no frequency).

NM_002382.5(MAX):c.246G>C (p.Gln82His)

Gene: MAX (MYC associated transcriptional regulator X; minus strand). Cytogenetic location: 14q23.3.
Variant type: single nucleotide variant.
Coding change: c.246G>C on transcript NM_002382.5 (MANE Select); coding-DNA position 246, G replaced by C.
Protein change: p.Gln82His; replaces glutamine 82 with histidine.
Molecular consequence: missense variant. On other transcripts: 5 prime UTR variant (1), intron variant (2).
Genome position (GRCh38, 1-based): chr14:65,077,962, C>G on the plus strand (G>C on the coding strand, the complement: MAX is on the minus strand). VCF-style: chr14-65077962-C-G. GRCh37 (hg19) VCF-style: chr14-65544680-C-G.
Other names: c.-29G>C (NM_001320415.2, NM_001407105.1, NM_001407106.1 and 1 more transcripts); c.246G>C, p.Gln82His (NM_001407094.1, NM_001407096.1, NM_001407097.1 and 3 more transcripts); c.219G>C, p.Gln73His (NM_001407095.1, NM_001407099.1, NM_001407100.1 and 6 more transcripts); c.138G>C, p.Gln46His (NM_001407098.1); c.-122G>C (NM_001407111.1, NM_001407112.1); c.144+15746G>C (NM_001271069.2); c.171+15746G>C (NM_197957.4); short protein forms Q82H, Q73H, Q46H.
Identifiers: ClinVar variation 834327 (VCV000834327.10), dbSNP rs2063104208, ClinGen allele CA390035596.